The following is an entry in ClinVar:

ClinVar aggregate classification (germline): Uncertain significance (1 of 4 stars; one submission).

Conditions:
Beckwith-Wiedemann syndrome (BWS). Also called: Exomphalos macroglossia gigantism syndrome; EMG SYNDROME. Identifiers: Orphanet 116, MedGen C0004903, MONDO:0007534, OMIM 130650.

Allele frequency attached by ClinVar (database versions not stated): ExAC below 0.00001; gnomAD exomes 0.00001.

Submission:

Labcorp Genetics (formerly Invitae), Labcorp
Classification: Uncertain significance for Beckwith-Wiedemann syndrome. Last evaluated: 2025-12-15. Review status: criteria provided, single submitter. Criteria: Invitae Variant Classification Sherloc (09022015). Collection method: clinical testing. Allele origin: germline.
Comment: This sequence change replaces serine, which is neutral and polar, with alanine, which is neutral and non-polar, at codon 2 of the CDKN1C protein (p.Ser2Ala). This variant is present in population databases (rs748680303, gnomAD 0.002%). This variant has not been reported in the literature in individuals affected with CDKN1C-related conditions. ClinVar contains an entry for this variant (Variation ID: 651384). An algorithm developed to predict the effect of missense changes on protein structure and function (PolyPhen-2) suggests that this variant is likely to be disruptive. In summary, the available evidence is currently insufficient to determine the role of this variant in disease. Therefore, it has been classified as a Variant of Uncertain Significance.

NM_001122630.2(CDKN1C):c.-10-20T>G

Gene: CDKN1C (cyclin dependent kinase inhibitor 1C; minus strand). Cytogenetic location: 11p15.4.
Variant type: single nucleotide variant.
Coding change: c.-10-20T>G on transcript NM_001122630.2 (MANE Select); 20 bases into the intron before 10 bases upstream of the start codon, T replaced by G.
Molecular consequence: intron variant. On other transcripts: missense variant (2).
Genome position (GRCh38, 1-based): chr11:2,885,486, A>C on the plus strand (T>G on the coding strand, the complement: CDKN1C is on the minus strand). VCF-style: chr11-2885486-A-C. GRCh37 (hg19) VCF-style: chr11-2906716-A-C.
Other names: c.4T>G, p.Ser2Ala (LRG_533t1, NM_000076.2, NM_001362474.2); c.-10-20T>G (NM_001362475.2, NM_001122631.2); short protein forms S2A.
Identifiers: ClinVar variation 651384 (VCV000651384.10), dbSNP rs748680303, ClinGen allele CA5822254.